The following is an entry in ClinVar:

NM_000179.3(MSH6):c.2359G>A (p.Ala787Thr)

Gene: MSH6 (mutS homolog 6; plus strand). Cytogenetic location: 2p16.3.
Variant type: single nucleotide variant.
Coding change: c.2359G>A on transcript NM_000179.3 (MANE Select); coding-DNA position 2359, G replaced by A.
Protein change: p.Ala787Thr; replaces alanine 787 with threonine.
Molecular consequence: missense variant.
Genome position (GRCh38, 1-based): chr2:47,800,342, G>A. VCF-style: chr2-47800342-G-A. GRCh37 (hg19) VCF-style: chr2-48027481-G-A.
Other names: c.1969G>A, p.Ala657Thr (NM_001281492.2); c.1453G>A, p.Ala485Thr (NM_001281493.2, NM_001281494.2, NM_001406811.1 and 6 more transcripts); c.2455G>A, p.Ala819Thr (NM_001406795.1, NM_001406802.1); c.2359G>A, p.Ala787Thr (NM_001406796.1, NM_001406798.1, NM_001406800.1 and 2 more transcripts); c.2062G>A, p.Ala688Thr (NM_001406797.1, NM_001406801.1, NM_001406805.1 and 10 more transcripts); c.1834G>A, p.Ala612Thr (NM_001406799.1, NM_001406806.1, NM_001406807.1); c.2281G>A, p.Ala761Thr (NM_001406804.1); c.2365G>A, p.Ala789Thr (NM_001406813.1); and 1 more; short protein forms A612T, A657T, A731T, A485T, A688T, A787T, A789T, A761T.
Identifiers: ClinVar variation 1790116 (VCV001790116.5), dbSNP rs1669453352, ClinGen allele CA346753594.

ClinVar aggregate classification (germline): Uncertain significance. Review status: criteria provided, multiple submitters, no conflicts (2 of 4 stars). 2 submissions from 2 submitters: Uncertain significance (2). Last evaluated 2023-06-04.

Conditions:
Hereditary cancer-predisposing syndrome. Also called: Hereditary Cancer Syndrome; Hereditary neoplastic syndrome; Tumor predisposition; Neoplastic Syndromes, Hereditary. Identifiers: Orphanet 140162, MedGen C0027672, MeSH D009386, MONDO:0015356.
Hereditary nonpolyposis colorectal neoplasms. Identifiers: MedGen C0009405, MeSH D003123.

Submissions (2):

Labcorp Genetics (formerly Invitae), Labcorp
Classification: Uncertain significance for Hereditary nonpolyposis colorectal neoplasms. Last evaluated: 2023-06-04. Review status: criteria provided, single submitter. Criteria: Invitae Variant Classification Sherloc (09022015). Collection method: clinical testing. Allele origin: germline.
Comment: Advanced modeling of protein sequence and biophysical properties (such as structural, functional, and spatial information, amino acid conservation, physicochemical variation, residue mobility, and thermodynamic stability) performed at Invitae indicates that this missense variant is not expected to disrupt MSH6 protein function. In summary, the available evidence is currently insufficient to determine the role of this variant in disease. Therefore, it has been classified as a Variant of Uncertain Significance. ClinVar contains an entry for this variant (Variation ID: 1790116). This variant has not been reported in the literature in individuals affected with MSH6-related conditions. This variant is not present in population databases (gnomAD no frequency). This sequence change replaces alanine, which is neutral and non-polar, with threonine, which is neutral and polar, at codon 787 of the MSH6 protein (p.Ala787Thr).

Ambry Genetics
Classification: Uncertain significance for Hereditary cancer-predisposing syndrome. Last evaluated: 2021-03-09. Review status: criteria provided, single submitter. Criteria: Ambry Variant Classification Scheme 2023. Collection method: clinical testing. Allele origin: germline.
Comment: The p.A787T variant (also known as c.2359G>A), located in coding exon 4 of the MSH6 gene, results from a G to A substitution at nucleotide position 2359. The alanine at codon 787 is replaced by threonine, an amino acid with similar properties. This amino acid position is not well conserved in available vertebrate species. In addition, this alteration is predicted to be tolerated by in silico analysis. Since supporting evidence is limited at this time, the clinical significance of this alteration remains unclear.